The following is an entry in ClinVar:

NM_000419.5(ITGA2B):c.1666G>T (p.Gly556Cys)

Gene: ITGA2B (integrin subunit alpha 2b; minus strand). Cytogenetic location: 17q21.31.
Variant type: single nucleotide variant.
Coding change: c.1666G>T on transcript NM_000419.5 (MANE Select); coding-DNA position 1666, G replaced by T.
Protein change: p.Gly556Cys; replaces glycine 556 with cysteine.
Molecular consequence: missense variant.
Genome position (GRCh38, 1-based): chr17:44,380,088, C>A on the plus strand (G>T on the coding strand, the complement: ITGA2B is on the minus strand). VCF-style: chr17-44380088-C-A. GRCh37 (hg19) VCF-style: chr17-42457456-C-A.
Other names: short protein forms G556C.
Identifiers: ClinVar variation 1993429 (VCV001993429.27), dbSNP rs1175557011, ClinGen allele CA399802323.

ClinVar aggregate classification (germline): Uncertain significance. Review status: criteria provided, multiple submitters, no conflicts (2 of 4 stars). 2 submissions from 2 submitters: Uncertain significance (2). Last evaluated 2023-11-01.

Conditions:
Glanzmann thrombasthenia. Also called: PLATELET GLYCOPROTEIN IIb-IIIa DEFICIENCY; THROMBASTHENIA OF GLANZMANN AND NAEGELI; Thrombasthenia; Glanzmann's thrombasthenia. Identifiers: Orphanet 849, MedGen C0040015, MONDO:0100326.

Allele frequency attached by ClinVar (database versions not stated): gnomAD exomes below 0.00001.
gnomAD v4.1: 1 of 1,614,006 alleles (0.000062%); highest among the groups gnomAD compares: Non-Finnish European, 0.000085%; no homozygotes.

Submissions (2):

CeGaT Center for Human Genetics Tuebingen
Classification: Uncertain significance. Last evaluated: 2023-11-01. Review status: criteria provided, single submitter. Criteria: CeGaT Center For Human Genetics Tuebingen Variant Classification Criteria Version 2. Collection method: clinical testing. Allele origin: germline. Affected: yes. Observed: 2 variant alleles.
Comment: ITGA2B: PM2, BP4

Labcorp Genetics (formerly Invitae), Labcorp
Classification: Uncertain significance for Glanzmann thrombasthenia. Last evaluated: 2022-09-27. Review status: criteria provided, single submitter. Criteria: Invitae Variant Classification Sherloc (09022015). Collection method: clinical testing. Allele origin: germline.
Comment: In summary, the available evidence is currently insufficient to determine the role of this variant in disease. Therefore, it has been classified as a Variant of Uncertain Significance. Advanced modeling of protein sequence and biophysical properties (such as structural, functional, and spatial information, amino acid conservation, physicochemical variation, residue mobility, and thermodynamic stability) performed at Invitae indicates that this missense variant is not expected to disrupt ITGA2B protein function. This variant has not been reported in the literature in individuals affected with ITGA2B-related conditions. This variant is not present in population databases (gnomAD no frequency). This sequence change replaces glycine, which is neutral and non-polar, with cysteine, which is neutral and slightly polar, at codon 556 of the ITGA2B protein (p.Gly556Cys).